The following is an entry in ClinVar:

ClinVar aggregate classification (germline): Pathogenic (1 of 4 stars; one submission).

Submission:

Labcorp Genetics (formerly Invitae), Labcorp
Classification: Pathogenic. Last evaluated: 2023-08-17. Review status: criteria provided, single submitter. Criteria: Invitae Variant Classification Sherloc (09022015). Collection method: clinical testing. Allele origin: germline.
Comment: This variant is not present in population databases (gnomAD no frequency). This sequence change creates a premature translational stop signal (p.Ser107Valfs*23) in the LAMC3 gene. It is expected to result in an absent or disrupted protein product. Loss-of-function variants in LAMC3 are known to be pathogenic (PMID: 21572413, 26802095). This variant has not been reported in the literature in individuals affected with LAMC3-related conditions. ClinVar contains an entry for this variant (Variation ID: 1451732). For these reasons, this variant has been classified as Pathogenic.

Literature cited by the submitters: PubMed 21572413; PubMed 26802095.

NM_006059.4(LAMC3):c.317dup (p.Ser107fs)

Gene: LAMC3 (laminin subunit gamma 3; plus strand). Cytogenetic location: 9q34.12.
Variant type: Duplication.
Coding change: c.317dup on transcript NM_006059.4 (MANE Select); coding-DNA position 317, one base duplicated (C; older notation c.317dupC).
Protein change: p.Ser107fs; shifts the reading frame from serine 107.
Molecular consequence: frameshift variant.
Genome position (GRCh38, 1-based): chr9:131,009,531, C duplicated; the last of 3 consecutive C bases (chr9:131,009,529-131,009,531); duplicating any one gives the same sequence. VCF-style (leftmost placement, unchanged base first): chr9-131009528-G-GC. GRCh37 (hg19) VCF-style: chr9-133884915-G-GC.
Other names: short protein forms S107fs.
Identifiers: ClinVar variation 1451732 (VCV001451732.6), dbSNP rs957219392, ClinGen allele CA200659247.